The following is an entry in ClinVar:

NM_001042492.3(NF1):c.2561A>G (p.Gln854Arg)

Gene: NF1 (neurofibromin 1; plus strand). Cytogenetic location: 17q11.2.
Variant type: single nucleotide variant.
Coding change: c.2561A>G on transcript NM_001042492.3 (MANE Select); coding-DNA position 2561, A replaced by G.
Protein change: p.Gln854Arg; replaces glutamine 854 with arginine.
Molecular consequence: missense variant.
Genome position (GRCh38, 1-based): chr17:31,229,176, A>G. VCF-style: chr17-31229176-A-G. GRCh37 (hg19) VCF-style: chr17-29556194-A-G.
Other names: c.2561A>G, p.Gln854Arg (NM_000267.4); short protein forms Q854R.
Identifiers: ClinVar variation 1502246 (VCV001502246.8), dbSNP rs2151429134, ClinGen allele CA398984304.
Genomic context (GRCh38, chr17:31,229,176, plus strand): 5'-TACAGGAATGGATCAACATGACTGGCTTCCTTTGTGCCCTTGGGGGAGTGTGCCTCCAGC[A>G]GAGAAGCAATTCTGGCCTGGCAACCTATAGCCCACCCATGGGTCCAGTCAGTGAACGTAA-3'
Protein context (NP_001035957.1, residues 844-864): LCALGGVCLQ[Gln854Arg]RSNSGLATYS

ClinVar aggregate classification (germline): Uncertain significance (1 of 4 stars; one submission).

Conditions:
Neurofibromatosis, type 1 (NF1). Also called: VON RECKLINGHAUSEN DISEASE; NEUROFIBROMATOSIS, TYPE I, SOMATIC; Peripheral type neurofibromatosis; Neurofibromatosis, type I. Identifiers: Orphanet 636, MedGen C0027831, MONDO:0018975, OMIM 162200. Disease mechanism: loss of function.

Submission:

Labcorp Genetics (formerly Invitae), Labcorp
Classification: Uncertain significance for Neurofibromatosis, type 1. Last evaluated: 2022-02-18. Review status: criteria provided, single submitter. Criteria: Invitae Variant Classification Sherloc (09022015). Collection method: clinical testing. Allele origin: germline.
Comment: This sequence change replaces glutamine, which is neutral and polar, with arginine, which is basic and polar, at codon 854 of the NF1 protein (p.Gln854Arg). This variant is not present in population databases (gnomAD no frequency). This variant has not been reported in the literature in individuals affected with NF1-related conditions. Advanced modeling of protein sequence and biophysical properties (such as structural, functional, and spatial information, amino acid conservation, physicochemical variation, residue mobility, and thermodynamic stability) performed at Invitae indicates that this missense variant is not expected to disrupt NF1 protein function. In summary, the available evidence is currently insufficient to determine the role of this variant in disease. Therefore, it has been classified as a Variant of Uncertain Significance.